The following is an entry in ClinVar:

ClinVar aggregate classification (germline): Likely benign (1 of 4 stars; one submission).

Conditions:
Familial hypercholesterolemia. Also called: Familial hypercholesterolaemia. Identifiers: MedGen C0020445, MONDO:0005439.

gnomAD v4.1: 5 of 1,614,200 alleles (0.00031%); highest among the groups gnomAD compares: Non-Finnish European, 0.00042%; no homozygotes.

Submission:

GENinCode PLC
Classification: Likely benign for Familial hypercholesterolemia. Last evaluated: 2025-01-09. Review status: criteria provided, single submitter. Criteria: ACMG Guidelines, 2015. Collection method: clinical testing. Allele origin: germline.
Comment: This is a synonymous (silent) variant that is not predicted to impact splicing and occurs at a nucleotide which is not highly conserved. This variant has been classified as Likely Benign (BP4, BP7).

NM_000384.3(APOB):c.4422A>G (p.Lys1474=)

Gene: APOB (apolipoprotein B; minus strand). Cytogenetic location: 2p24.1.
Variant type: single nucleotide variant.
Coding change: c.4422A>G on transcript NM_000384.3 (MANE Select); coding-DNA position 4422, A replaced by G.
Protein change: p.Lys1474=; no amino-acid change (lysine 1474 retained).
Molecular consequence: synonymous variant.
Genome position (GRCh38, 1-based): chr2:21,012,446, T>C on the plus strand (A>G on the coding strand, the complement: APOB is on the minus strand). VCF-style: chr2-21012446-T-C. GRCh37 (hg19) VCF-style: chr2-21235318-T-C.
Identifiers: ClinVar variation 3571443 (VCV003571443.1).